The following is an entry in ClinVar:

ClinVar aggregate classification (germline): Likely benign (1 of 4 stars; one submission).

Conditions:
CASQ2-related disorder. Also called: CASQ2-related condition.

Submission:

PreventionGenetics, part of Exact Sciences
Classification: Likely benign for CASQ2-related condition. Last evaluated: 2024-11-15. Review status: criteria provided, single submitter. Criteria: ACMG Guidelines, 2015. Collection method: clinical testing. Allele origin: germline.
Comment: This variant is classified as likely benign based on ACMG/AMP sequence variant interpretation guidelines (Richards et al. 2015 PMID: 25741868, with internal and published modifications).

NM_001232.4(CASQ2):c.320-4A>C

Gene: CASQ2 (calsequestrin 2; minus strand). Cytogenetic location: 1p13.1.
Variant type: single nucleotide variant.
Coding change: c.320-4A>C on transcript NM_001232.4 (MANE Select); 4 bases into the intron before coding-DNA position 320, A replaced by C.
Molecular consequence: intron variant.
Genome position (GRCh38, 1-based): chr1:115,740,832, T>G on the plus strand (A>C on the coding strand, the complement: CASQ2 is on the minus strand). VCF-style: chr1-115740832-T-G. GRCh37 (hg19) VCF-style: chr1-116283453-T-G.
Identifiers: ClinVar variation 5002568 (VCV005002568.1).